The following is an entry in ClinVar:

ClinVar aggregate classification (germline): Conflicting classifications of pathogenicity. Review status: criteria provided, conflicting classifications (1 of 4 stars). 2 submissions from 2 submitters: Likely pathogenic (1); Uncertain significance (1). Last evaluated 2024-10-08.

Allele frequency attached by ClinVar (database versions not stated): gnomAD exomes 0.00001; TOPMed 0.00001.
gnomAD v4.1: 9 of 1,569,862 alleles (0.00057%); highest among the groups gnomAD compares: Non-Finnish European, 0.00078%; no homozygotes.

Submissions (2):

Blueprint Genetics
Classification: Uncertain significance. Last evaluated: 2024-10-08. Review status: criteria provided, single submitter. Criteria: ACMG Guidelines, 2015. Collection method: clinical testing. Allele origin: germline.

GeneDx
Classification: Likely pathogenic. Last evaluated: 2016-04-26. Review status: criteria provided, single submitter. Criteria: GeneDx Variant Classification (06012015). Collection method: clinical testing. Allele origin: germline. Affected: yes.
Comment: The c.313+1G>A variant in the NDUFA11 gene has not been reported previously as a pathogenic variant nor as a benign variant, to our knowledge. This splice site variant destroys the canonical splice donor site in intron 3. It is predicted to cause abnormal gene splicing resulting in an in-frame protein product with an abnormal message. However, in the absence of RNA/functional studies, the actual effect of c.313+1G>A in this individual is unknown. The c.313+1G>A variant was not observed in approximately 6400 individuals of European and African American ancestry in the NHLBI Exome Sequencing Project, indicating it is not a common benign variant in these populations. Based on review of the data in the context of the 2015 ACMG standards and guidelines for the interpretation of sequence variants (Richards et al., 2015), we now interpret c.313+1G>A as a likely pathogenic variant.

NM_175614.5(NDUFA11):c.313+1G>A

Gene: NDUFA11 (NADH:ubiquinone oxidoreductase subunit A11; minus strand). Cytogenetic location: 19p13.3.
Variant type: single nucleotide variant.
Coding change: c.313+1G>A on transcript NM_175614.5 (MANE Select); the canonical splice donor site of the intron after coding-DNA position 313, G replaced by A.
Molecular consequence: splice donor variant.
Genome position (GRCh38, 1-based): chr19:5,896,452, C>T on the plus strand (G>A on the coding strand, the complement: NDUFA11 is on the minus strand). VCF-style: chr19-5896452-C-T. GRCh37 (hg19) VCF-style: chr19-5896463-C-T.
Other names: c.313+1G>A (NM_001193375.3).
Identifiers: ClinVar variation 372670 (VCV000372670.3), dbSNP rs1057517914, ClinGen allele CA16043096.